The following is an entry in ClinVar:

ClinVar aggregate classification (germline): Benign/Likely benign. Review status: criteria provided, multiple submitters, no conflicts (2 of 4 stars). 5 submissions from 5 submitters: Benign (4); Likely benign (1). Last evaluated 2026-05-01.

Conditions:
Neuropathy, hereditary sensory, type 1F. Also called: Hereditary sensory neuropathy type IF; HSN IF. Identifiers: Orphanet 36386, MedGen C3810194, MONDO:0014286, OMIM 615632.

Allele frequency attached by ClinVar (database versions not stated): 1000 Genomes Project 0.00100; gnomAD exomes 0.00631 and 0.00984; ExAC 0.00644; TOPMed 0.00682; gnomAD 0.00740 and 0.00762; ESP Exome Variant Server 0.00857.

Submissions (5):

CeGaT Center for Human Genetics Tuebingen
Classification: Benign. Last evaluated: 2026-05-01. Review status: criteria provided, single submitter. Criteria: CeGaT Center For Human Genetics Tuebingen Variant Classification Criteria Version 2. Collection method: clinical testing. Allele origin: germline. Affected: yes. Observed: 36 variant alleles.
Comment: ATL3: BP4, BS1, BS2

Labcorp Genetics (formerly Invitae), Labcorp
Classification: Benign for Neuropathy, hereditary sensory, type 1F. Last evaluated: 2026-02-03. Review status: criteria provided, single submitter. Criteria: Invitae Variant Classification Sherloc (09022015). Collection method: clinical testing. Allele origin: germline.

Mayo Clinic Laboratories, Mayo Clinic
Classification: Benign. Last evaluated: 2023-01-04. Review status: criteria provided, single submitter. Criteria: ACMG Guidelines, 2015. Collection method: clinical testing. Allele origin: germline. Observed: 17 variant alleles.
Comment: BS1, BS2, BP4, BP7

Genome-Nilou Lab
Classification: Benign for Neuropathy, hereditary sensory, type 1F. Last evaluated: 2021-12-05. Review status: criteria provided, single submitter. Criteria: ACMG Guidelines, 2015. Collection method: clinical testing. Allele origin: germline. Affected: no.

GeneDx
Classification: Likely benign. Last evaluated: 2021-05-11. Review status: criteria provided, single submitter. Criteria: GeneDx Variant Classification Process June 2021. Collection method: clinical testing. Allele origin: germline. Affected: yes.

NM_015459.5(ATL3):c.978+7dup

Genes: ATL3 (atlastin GTPase 3; minus strand), LNCROPM (lncRNA regulator of PLAAT3 mediated phospholipid metabolism; plus strand). Cytogenetic location: 11q13.1.
Variant type: Duplication.
Coding change: c.978+7dup on transcript NM_015459.5 (MANE Select); 7 bases into the intron after coding-DNA position 978, one base duplicated (A; older notation c.978+7dupA).
Molecular consequence: intron variant.
Genome position (GRCh38, 1-based): chr11:63,636,200, T duplicated on the plus strand (A on the coding strand, the reverse complement: ATL3 is on the minus strand). VCF-style (leftmost placement, unchanged base first): chr11-63636199-A-AT. GRCh37 (hg19) VCF-style: chr11-63403671-A-AT.
Other names: p.?; c.924+7dup (NM_001290048.2); c.978+7dupA (NM_015459.4).
Identifiers: ClinVar variation 474841 (VCV000474841.43), dbSNP rs528012262, ClinGen allele CA6063640.